The following is an entry in ClinVar:

ClinVar aggregate classification (germline): Pathogenic (1 of 4 stars; one submission).

Submission:

Labcorp Genetics (formerly Invitae), Labcorp
Classification: Pathogenic. Last evaluated: 2022-11-15. Review status: criteria provided, single submitter. Criteria: Invitae Variant Classification Sherloc (09022015). Collection method: clinical testing. Allele origin: unknown.
Comment: For these reasons, this variant has been classified as Pathogenic. This variant has not been reported in the literature in individuals affected with MLC1-related conditions. This variant is a gross deletion of the genomic region encompassing exon(s) 2-5 of the MLC1 gene, which includes the initiator codon. This deletion extends beyond the assayed region for this gene and therefore may encompass additional genes. It is expected to result in an absent or disrupted protein product. Loss-of-function variants in MLC1 are known to be pathogenic (PMID: 11254442, 16470554, 24824219).

Literature cited by the submitters: PubMed 11254442; PubMed 16470554; PubMed 24824219.

NC_000022.10:g.(?_50518337)_(50523373_?)del

Gene: MLC1 (modulator of VRAC current 1; minus strand). Cytogenetic location: 22q13.33.
Variant type: Deletion.
Identifiers: ClinVar variation 3248122 (VCV003248122.1).